The following is an entry in ClinVar:

ClinVar aggregate classification (germline): Pathogenic/Likely pathogenic. Review status: criteria provided, multiple submitters, no conflicts (2 of 4 stars). 2 submissions from 2 submitters: Pathogenic (1); Likely pathogenic (1). Last evaluated 2025-07-14.

Conditions:
Medium-chain acyl-coenzyme A dehydrogenase deficiency (ACADMD). Also called: MCADD; Medium chain acyl-CoA dehydrogenase deficiency; MCAD Deficiency; CARNITINE DEFICIENCY SECONDARY TO MEDIUM-CHAIN ACYL-CoA DEHYDROGENASE DEFICIENCY; MCADH DEFICIENCY; ACADM DEFICIENCY. Identifiers: Orphanet 42, MedGen C0220710, MONDO:0008721, OMIM 201450.

Allele frequency attached by ClinVar (database versions not stated): gnomAD 0.00001.

Submissions (2):

Natera, Inc.
Classification: Likely pathogenic for Medium Chain Acyl-CoA Dehydrogenase Deficiency. Last evaluated: 2025-07-14. Review status: criteria provided, single submitter. Criteria: Natera Variant Classification Schema (03/2026). Collection method: clinical testing. Allele origin: germline.
Comment: The c.342_343dupTG variant in ACADM is a frameshift variant predicted to shift the reading frame beginning at codon 115 and leads to a stop codon 36 codons downstream. This variant is expected to result in nonsense mediated decay, truncation, or a dysfunctional protein product. This variant is rare in the general population with a frequency below the threshold expected for the associated phenotype(s). Given the available evidence, this variant is classified as Likely Pathogenic.

Labcorp Genetics (formerly Invitae), Labcorp
Classification: Pathogenic for Medium-chain acyl-coenzyme A dehydrogenase deficiency. Last evaluated: 2023-11-10. Review status: criteria provided, single submitter. Criteria: Invitae Variant Classification Sherloc (09022015). Collection method: clinical testing. Allele origin: germline.
Comment: This sequence change creates a premature translational stop signal (p.Gly115Valfs*36) in the ACADM gene. It is expected to result in an absent or disrupted protein product. Loss-of-function variants in ACADM are known to be pathogenic (PMID: 16121256, 20434380). This variant is not present in population databases (gnomAD no frequency). This variant has not been reported in the literature in individuals affected with ACADM-related conditions. ClinVar contains an entry for this variant (Variation ID: 1451625). Algorithms developed to predict the effect of sequence changes on RNA splicing suggest that this variant may disrupt the consensus splice site. For these reasons, this variant has been classified as Pathogenic.

Literature cited by the submitters: PubMed 16121256 (cited by Labcorp Genetics (formerly Invitae), Labcorp); PubMed 20434380 (cited by Labcorp Genetics (formerly Invitae), Labcorp).

NM_000016.6(ACADM):c.342_343dup (p.Gly115fs)

Gene: ACADM (acyl-CoA dehydrogenase medium chain; plus strand). Cytogenetic location: 1p31.1.
Variant type: Duplication.
Coding change: c.342_343dup on transcript NM_000016.6 (MANE Select); coding-DNA positions 342 to 343, 2 bases duplicated (TG; older notation c.342_343dupTG).
Protein change: p.Gly115fs; shifts the reading frame from glycine 115.
Molecular consequence: frameshift variant. On other transcripts: intron variant (1).
Genome position (GRCh38, 1-based): chr1:75,733,583-75,733,584, TG duplicated. VCF-style (leftmost placement, unchanged base first): chr1-75733582-A-ATG. GRCh37 (hg19) VCF-style: chr1-76199267-A-ATG.
Other names: c.234_235dup, p.Gly79fs (NM_001286042.2); c.441_442dup, p.Gly148fs (NM_001286043.2); c.-100+661_-100+662dup (NM_001286044.2); c.354_355dup, p.Gly119fs (NM_001127328.3); c.342_343dupTG (NM_000016.5); short protein forms G148fs, G115fs, G119fs, G79fs.
Identifiers: ClinVar variation 1451625 (VCV001451625.7), dbSNP rs1647188440, ClinGen allele CA1176718692.
Genomic context (GRCh38, chr1:75,733,582, plus strand): 5'-CTGTAGGAGGTCTTGGACTTGGAACTTTTGATGCTTGTTTAATTAGTGAAGAATTGGCTT[A>ATG]TGGATGTACAGGGGTTCAGACTGCTATTGAAGGAAATTCTTTGGGGGTAAGTGACTTAGA-3'